The following is an entry in ClinVar:

NM_022124.6(CDH23):c.8639delinsAA (p.Leu2880fs)

Gene: CDH23 (cadherin related 23; plus strand). Cytogenetic location: 10q22.1.
Variant type: Indel.
Coding change: c.8639delinsAA on transcript NM_022124.6 (MANE Select); coding-DNA position 8639, T replaced by AA.
Protein change: p.Leu2880fs; shifts the reading frame from leucine 2880.
Molecular consequence: frameshift variant.
Genome position (GRCh38, 1-based): chr10:71,807,924, T replaced by AA. VCF-style: chr10-71807924-T-AA. GRCh37 (hg19) VCF-style: chr10-73567681-T-AA.
Other names: c.1919delinsAA, p.Leu640fs (NM_001171933.1, NM_001171934.1); short protein forms L2880fs, L640fs.
Identifiers: ClinVar variation 5007738 (VCV005007738.2).
Genomic context (GRCh38, chr10:71,807,924, plus strand): 5'-AGGTGGGCTCAGAGTTGATCCAGGTGCTGGCCCTGGATGCAGACATTGGCAACAACAGCC[T>AA]TGTCTTCTACAGCATTCTGGCCATCCACTACTTCCGGGCCCTTGCCAACGACTCTGAAGA-3'

ClinVar aggregate classification (germline): Likely pathogenic (1 of 4 stars; one submission).

Conditions:
Pituitary adenoma 5, multiple types. Identifiers: MedGen C4539685, MONDO:0054601, OMIM 617540.
Usher syndrome type 1D (USH1D). Also called: USHER SYNDROME, TYPE ID. Identifiers: Orphanet 231169, Orphanet 886, MedGen C1832845, MONDO:0010984, OMIM 601067.
Autosomal recessive nonsyndromic hearing loss 12. Also called: DEAFNESS, AUTOSOMAL RECESSIVE 12. Identifiers: Orphanet 90636, MedGen C1832394, MONDO:0011067, OMIM 601386.

Submission:

Juno Genomics, Hangzhou Juno Genomics, Inc
Classification: Likely pathogenic for Pituitary adenoma 5, multiple types; Autosomal recessive nonsyndromic hearing loss 12; Usher syndrome type 1D. Review status: criteria provided, single submitter. Criteria: ACMG Guidelines, 2015. Collection method: clinical testing. Allele origin: germline.
Comment: Null variant in a gene where loss of function (LOF) is a known mechanism of disease.;Absent from controls (or at extremely low frequency if recessive) in Genome Aggregation Database.